The following is an entry in ClinVar:

ClinVar aggregate classification (germline): Pathogenic (1 of 4 stars; one submission).

Submission:

Labcorp Genetics (formerly Invitae), Labcorp
Classification: Pathogenic. Last evaluated: 2024-05-04. Review status: criteria provided, single submitter. Criteria: Invitae Variant Classification Sherloc (09022015). Collection method: clinical testing. Allele origin: germline.
Comment: This sequence change creates a premature translational stop signal (p.Trp89*) in the PIH1D3 gene. It is expected to result in an absent or disrupted protein product. Loss-of-function variants in PIH1D3 are known to be pathogenic (PMID: 28041644, 28176794). This variant is not present in population databases (gnomAD no frequency). This premature translational stop signal has been observed in individual(s) with primary ciliary dyskinesia (PMID: 28176794). For these reasons, this variant has been classified as Pathogenic.

Literature cited by the submitters: PubMed 28041644; PubMed 28176794.

NM_173494.2(DNAAF6):c.267G>A (p.Trp89Ter)

Gene: DNAAF6 (dynein axonemal assembly factor 6; plus strand). Cytogenetic location: Xq22.3.
Variant type: single nucleotide variant.
Coding change: c.267G>A on transcript NM_173494.2 (MANE Select); coding-DNA position 267, G replaced by A.
Protein change: p.Trp89Ter; replaces tryptophan 89 with a stop codon.
Molecular consequence: nonsense.
Genome position (GRCh38, 1-based): chrX:107,218,904, G>A. VCF-style: chrX-107218904-G-A. GRCh37 (hg19) VCF-style: chrX-106462134-G-A.
Other names: c.267G>A, p.Trp89Ter (NM_001169154.2); short protein forms W89*.
Identifiers: ClinVar variation 3652140 (VCV003652140.2).